The following is an entry in ClinVar:

NM_006904.7(PRKDC):c.1587T>A (p.Asp529Glu)

Gene: PRKDC (protein kinase, DNA-activated, catalytic subunit; minus strand). Cytogenetic location: 8q11.21.
Variant type: single nucleotide variant.
Coding change: c.1587T>A on transcript NM_006904.7 (MANE Select); coding-DNA position 1587, T replaced by A.
Protein change: p.Asp529Glu; replaces aspartic acid 529 with glutamic acid.
Molecular consequence: missense variant.
Genome position (GRCh38, 1-based): chr8:47,934,001, A>T on the plus strand (T>A on the coding strand, the complement: PRKDC is on the minus strand). VCF-style: chr8-47934001-A-T. GRCh37 (hg19) VCF-style: chr8-48846561-A-T.
Other names: c.1587T>A, p.Asp529Glu (NM_001081640.2); short protein forms D529E.
Identifiers: ClinVar variation 2449824 (VCV002449824.2), dbSNP rs2551879185, ClinGen allele CA371165327.
Genomic context (GRCh38, chr8:47,934,001, plus strand): 5'-ATGGCTTTCAATGGTAAATGTTACCATCATCTGGTCAGAGCTCAGGAGATGTCTGAAGAG[A>T]TCCACGTAGTCTTTGTATGTGGGCACCTTCCATTTGCCAGTTCTGACTTCCCCTGAAGCA-3'
Protein context (NP_008835.5, residues 519-539): WKVPTYKDYV[Asp529Glu]LFRHLLSSDQ

ClinVar aggregate classification (germline): Uncertain significance (1 of 4 stars; one submission).

Submission:

Ambry Genetics
Classification: Uncertain significance. Last evaluated: 2022-11-26. Review status: criteria provided, single submitter. Criteria: Ambry Variant Classification Scheme 2023. Collection method: clinical testing. Allele origin: germline.
Comment: The p.D529E variant (also known as c.1587T>A), located in coding exon 15 of the PRKDC gene, results from a T to A substitution at nucleotide position 1587. The aspartic acid at codon 529 is replaced by glutamic acid, an amino acid with highly similar properties. This amino acid position is conserved. In addition, this alteration is predicted to be tolerated by in silico analysis. Since supporting evidence is limited at this time, the clinical significance of this alteration remains unclear.